The following is an entry in ClinVar:

NM_004070.4(CLCNKA):c.1708del (p.Val570fs)

Genes: CLCNKA (chloride voltage-gated channel Ka; plus strand), LOC106501712 (CLCNKA recombination region; plus strand). Cytogenetic location: 1p36.13.
Variant type: Deletion.
Coding change: c.1708del on transcript NM_004070.4 (MANE Select); coding-DNA position 1708, one base deleted (G; older notation c.1708delG).
Protein change: p.Val570fs; shifts the reading frame from valine 570.
Molecular consequence: frameshift variant.
Genome position (GRCh38, 1-based): chr1:16,031,795, G deleted; the last of 2 consecutive G bases (chr1:16,031,794-16,031,795); deleting either gives the same sequence. VCF-style (leftmost placement, unchanged base first): chr1-16031793-AG-A. GRCh37 (hg19) VCF-style: chr1-16358288-AG-A.
Other names: p.Val570Leufs*2; c.1578delG (NM_001257139.1); c.1579del, p.Val527fs (NM_001257139.2); c.1708del, p.Val570fs (NM_001042704.2); c.1708del (NM_004070.3); short protein forms V570fs, V527fs.
Identifiers: ClinVar variation 3379426 (VCV003379426.4), dbSNP rs556704888.

ClinVar aggregate classification (germline): Conflicting classifications of pathogenicity. Review status: criteria provided, conflicting classifications (1 of 4 stars). 4 submissions from 4 submitters: Likely pathogenic (1); Uncertain significance (3). Last evaluated 2025-05-14.

Conditions:
Bartter disease type 4B. Also called: BARTTER SYNDROME, TYPE 4B; BARTTER SYNDROME, TYPE 4B, NEONATAL, WITH SENSORINEURAL DEAFNESS; Bartter syndrome, type 4b, digenic. Identifiers: Orphanet 112, MedGen C4310805, MONDO:0000909, OMIM 613090.
CHARGE syndrome (CHARGE). Also called: Hittner Hirsch Kreh syndrome; CHARGE ASSOCIATION--COLOBOMA, HEART ANOMALY, CHOANAL ATRESIA, RETARDATION, GENITAL AND EAR ANOMALIES; Coloboma, heart anomaly, choanal atresia, retardation, genital and ear anomalies; CHARGE association; Hall-Hittner syndrome. Identifiers: Orphanet 138, MedGen C0265354, MONDO:0008965.

Submissions (4):

Johns Hopkins Genomics, Johns Hopkins University
Classification: Uncertain significance for CHD7-related CHARGE syndrome. Last evaluated: 2025-05-14. Review status: criteria provided, single submitter. Criteria: ACMG Guidelines, 2015. Collection method: clinical testing. Allele origin: germline.
Comment: This CLCNKA variant (rs556704888) is rare (<0.1%) in a large population dataset (gnomAD: 277/1613958 total alleles; 0.017%; no homozygotes) and has been reported in ClinVar (Variation ID: 3379426). It has not been reported in the literature, to our knowledge. This frameshift variant variant results in a premature stop codon in exon 16 of 20 likely leading to nonsense-mediated decay and lack of protein production. Due to the lack of evidence that single loss of function variants in CLCNKA are associated with a renal phenotype, we consider the clinical significance of CLCNKA c.1708del to be uncertain at this time.

Mayo Clinic Laboratories, Mayo Clinic
Classification: Uncertain significance. Last evaluated: 2024-06-14. Review status: criteria provided, single submitter. Criteria: ACMG Guidelines, 2015. Collection method: clinical testing. Allele origin: germline. Observed: 1 variant allele.

Blueprint Genetics
Classification: Uncertain significance. Last evaluated: 2024-03-26. Review status: criteria provided, single submitter. Criteria: ACMG Guidelines, 2015. Collection method: clinical testing. Allele origin: germline.

Wonkam Laboratory, Johns Hopkins University
Classification: Likely pathogenic for Bartter disease type 4B. Last evaluated: 2024-01-06. Review status: criteria provided, single submitter. Criteria: ACMG Guidelines, 2015. Collection method: research. Allele origin: germline. Inheritance: Autosomal dominant inheritance. Affected: yes. Observed: 2 variant alleles.
Comment: The variant CLCNKA c.1578delG (NM_001257139.1) is predicted to lead to null variant (frameshift) on NM_001257139.1 (PVS1), the variant is absent from controls (or at extremely low frequency if recessive) in Exome Sequencing Project, 1000 Genomes Project, or Exome Aggregation Consortium (PM2)